The following is an entry in ClinVar:

NM_015166.4(MLC1):c.894+1G>A

Gene: MLC1 (modulator of VRAC current 1; minus strand). Cytogenetic location: 22q13.33.
Variant type: single nucleotide variant.
Coding change: c.894+1G>A on transcript NM_015166.4 (MANE Select); the canonical splice donor site of the intron after coding-DNA position 894, G replaced by A.
Molecular consequence: splice donor variant.
Genome position (GRCh38, 1-based): chr22:50,068,432, C>T on the plus strand (G>A on the coding strand, the complement: MLC1 is on the minus strand). VCF-style: chr22-50068432-C-T. GRCh37 (hg19) VCF-style: chr22-50506861-C-T.
Other names: c.792+1G>A (NM_001376481.1); c.837+1G>A (NM_001376479.1); c.738+1G>A (NM_001376483.1, NM_001376482.1); c.894+1G>A (NM_001376478.1, NM_139202.3, NM_001376477.1 and 5 more transcripts); c.657+1G>A (NM_001376484.1); c.804+1G>A (NM_001376480.1).
Identifiers: ClinVar variation 2676566 (VCV002676566.4), dbSNP rs1216099725, ClinGen allele CA412107476.

ClinVar aggregate classification (germline): Pathogenic (1 of 4 stars; one submission).

Conditions:
Megalencephalic leukoencephalopathy with subcortical cysts 1 (MLC1). Also called: LEUKOENCEPHALOPATHY WITH SWELLING AND CYSTS; VACUOLATING MEGALENCEPHALIC LEUKOENCEPHALOPATHY WITH SUBCORTICAL CYSTS. Identifiers: Orphanet 2478, MedGen C5779875, MONDO:0024555, OMIM 604004.

Allele frequency attached by ClinVar (database versions not stated): TOPMed below 0.00001.
gnomAD v4.1: 1 of 1,613,610 alleles (0.000062%); highest among the groups gnomAD compares: African/African-American, 0.0013%; no homozygotes.

Submission:

3billion
Classification: Pathogenic for Megalencephalic leukoencephalopathy with subcortical cysts 1. Last evaluated: 2025-06-19. Review status: criteria provided, single submitter. Criteria: ACMG Guidelines, 2015. Collection method: clinical testing. Allele origin: germline. Affected: yes.
Comment: The variant is observed at an extremely low frequency in the gnomAD v4.1.0 dataset (total allele frequency: <0.001%). Predicted Consequence/Location: Canonical splice site: predicted to alter splicing and result in a loss or disruption of normal protein function. Multiple pathogenic loss-of-function variants are reported downstream of the variant. In silico tools predict the variant to alter splicing and produce an abnormal transcript [SpliceAI: 0.99 (spliceogenicity >=0.2, non-spliceogenicity <0.1)]. The variant has been reported to be associated with MLC1-related disorder (ClinVar ID: VCV002676566). Therefore, this variant is classified as Pathogenic according to the recommendation of ACMG/AMP guideline.